The following is an entry in ClinVar:

Conditions:
Breast-ovarian cancer, familial, susceptibility to, 1 (BROVCA1). Also called: BRCA1 Hereditary Breast and Ovarian Cancer; OVARIAN CANCER, SUSCEPTIBILITY TO. Identifiers: Orphanet 145, MedGen C2676676, MONDO:0011450, OMIM 604370. Disease mechanism: loss of function.

Submission:

Brotman Baty Institute, University of Washington
No classification provided (evidence only). Condition: Breast-ovarian cancer, familial 1. Review status: no classification provided. Collection method: in vitro. Allele origin: not applicable. Functional consequence: functionally_normal.
ClinVar note: "not provided" was previously submitted as the classification for the variant. However, the classification appeared to be based only on an observation of functional data so it was converted to no classification on 2025-07-30.

NM_007294.4(BRCA1):c.193A>C (p.Lys65Gln)

Gene: BRCA1 (BRCA1 DNA repair associated; minus strand). Cytogenetic location: 17q21.31.
Variant type: single nucleotide variant.
Coding change: c.193A>C on transcript NM_007294.4 (MANE Select); coding-DNA position 193, A replaced by C.
Protein change: p.Lys65Gln; replaces lysine 65 with glutamine.
Molecular consequence: missense variant.
Genome position (GRCh38, 1-based): chr17:43,106,475, T>G on the plus strand (A>C on the coding strand, the complement: BRCA1 is on the minus strand). VCF-style: chr17-43106475-T-G. GRCh37 (hg19) VCF-style: chr17-41258492-T-G.
Other names: c.193A>C, p.Lys65Gln (NM_001407613.1, NM_001407614.1, NM_001407615.1 and 168 more transcripts); c.52A>C, p.Lys18Gln (NM_001407692.1, NM_001407694.1, NM_001407695.1 and 99 more transcripts); short protein forms K18Q, K65Q.
Identifiers: ClinVar variation 867932 (VCV000867932.3), dbSNP rs756948486, ClinGen allele CA10601784.